The following is an entry in ClinVar:

ClinVar aggregate classification (germline): Pathogenic/Likely pathogenic. Review status: criteria provided, multiple submitters, no conflicts (2 of 4 stars). 11 submissions from 11 submitters: Pathogenic (4); Likely pathogenic (4). 3 of the submissions do not count toward it. Last evaluated 2026-11-09.

Conditions:
Complex cortical dysplasia with other brain malformations 1. Identifiers: Orphanet 300570, MedGen C3808397, MONDO:0013541, OMIM 614039.
Fibrosis of extraocular muscles, congenital, 3A, with or without extraocular involvement. Also called: FEOM3 LOCUS; CONGENITAL FIBROSIS OF EXTRAOCULAR MUSCLES 3A. Identifiers: MedGen C2748801, MONDO:0010912, OMIM 600638.
CONGENITAL FIBROSIS OF EXTRAOCULAR MUSCLES 3A, SYNDROMIC 2, WITH JOINT CONTRACTURES, DEVELOPMENTAL DELAY, AND PERIPHERAL NEUROPATHY (CFEOM3A2). Also called: CONGENITAL FIBROSIS OF EXTRAOCULAR MUSCLES 3A2, SYNDROMIC, WITH JOINT CONTRACTURES, DEVELOPMENTAL DELAY, AND PERIPHERAL NEUROPATHY. Identifiers: MedGen CN382232, OMIM 621666.
Inborn genetic diseases. Identifiers: MedGen C0950123, MeSH D030342.
TUBB3-related disorder. Also called: TUBB3-related disorders; TUBB3-related condition.

Submissions (11):

Institute of Medical Genetics and Applied Genomics, University Hospital Tübingen
Classification: Likely pathogenic for CONGENITAL FIBROSIS OF EXTRAOCULAR MUSCLES 3A, SYNDROMIC 2, WITH JOINT CONTRACTURES, DEVELOPMENTAL DELAY, AND PERIPHERAL NEUROPATHY. Last evaluated: 2026-11-09. Review status: criteria provided, single submitter. Criteria: ACMG Guidelines, 2015. Collection method: clinical testing. Allele origin: germline. Inheritance: Autosomal dominant inheritance. Affected: yes.

Ambry Genetics
Classification: Pathogenic for Inborn genetic diseases. Last evaluated: 2026-02-23. Review status: criteria provided, single submitter. Criteria: Ambry Variant Classification Scheme 2023. Collection method: clinical testing. Allele origin: germline.
Comment: The c.763G>A (p.V255I) alteration is located in exon 4 (coding exon 4) of the TUBB3 gene. This alteration results from a G to A substitution at nucleotide position 763, causing the valine (V) at amino acid position 255 to be replaced by an isoleucine (I). This variant was not reported in population-based cohorts in the Genome Aggregation Database (gnomAD). This variant was determined to be de novo in at least one individual with features consistent with TUBB3-related tubulinopathy (Moreno-De-Luca, 2021; Xue, 2022; de Boer, 2022). This amino acid position is highly conserved in available vertebrate species. This missense variant is located in a region that has a low rate of benign missense variation (Lek, 2016; Firth, 2009). The in silico prediction for this alteration is inconclusive. Based on the available evidence, this alteration is classified as pathogenic.

CeGaT Center for Human Genetics Tuebingen
Classification: Likely pathogenic. Last evaluated: 2025-06-01. Review status: criteria provided, single submitter. Criteria: CeGaT Center For Human Genetics Tuebingen Variant Classification Criteria Version 2. Collection method: clinical testing. Allele origin: germline. Affected: yes. Observed: 1 variant allele.
Comment: TUBB3: PS2, PM2, PS4:Moderate, PP2

Pittsburgh Clinical Genomics Laboratory, University of Pittsburgh Medical Center
Classification: Likely pathogenic for Fibrosis of extraocular muscles, congenital, 3A, with or without extraocular involvement. Last evaluated: 2024-06-05. Review status: criteria provided, single submitter. Criteria: ACMG Guidelines, 2015. Collection method: clinical testing. Allele origin: germline. Inheritance: Autosomal dominant inheritance. Affected: yes.
Comment: This sequence variant is a single nucleotide substitution (G>A) at position 763 of the coding sequence of the TUBB3 gene that results in a valine to isoleucine amino acid change at residue 255 of the tubulin beta 3 class III protein. The 255 residue falls in the intermediate domain (PMID: 37600020) which plays a critical role in tubulin beta 3 class III's XX function. This is a previously reported variant (ClinVar 372654) that has been observed in individuals affected by syndromic congenital fibrosis of the extraocular muscles (CFEOM) and/or malformations of cortical development (MCD), neurodevelopmental disorders, and cerebral palsy (PMID: 34562182, 34863918, 37600020, 36512293). This variant is absent from the gnomAD v4.1.0 population database (0/~1614000 alleles). Multiple bioinformatic tools predict that this amino acid change would be damaging, and the Val255 residue at this position is highly conserved across the vertebrate species examined. Studies examining the functional consequence of this variant have not been published, to our knowledge. Based upon the evidence, we consider this variant to be likely pathogenic. ACMG Criteria: PM1, PM2, PP2, PP3, PS2

Labcorp Genetics (formerly Invitae), Labcorp
Classification: Pathogenic. Last evaluated: 2022-09-09. Review status: criteria provided, single submitter. Criteria: Invitae Variant Classification Sherloc (09022015). Collection method: clinical testing. Allele origin: germline.
Comment: This sequence change replaces valine, which is neutral and non-polar, with isoleucine, which is neutral and non-polar, at codon 255 of the TUBB3 protein (p.Val255Ile). This variant is not present in population databases (gnomAD no frequency). For these reasons, this variant has been classified as Pathogenic. Advanced modeling of protein sequence and biophysical properties (such as structural, functional, and spatial information, amino acid conservation, physicochemical variation, residue mobility, and thermodynamic stability) performed at Invitae indicates that this missense variant is expected to disrupt TUBB3 protein function. ClinVar contains an entry for this variant (Variation ID: 372654). This missense change has been observed in individual(s) with clinical features of TUBB3-related conditions (PMID: 34863918). In at least one individual the variant was observed to be de novo.

Institute of Human Genetics Munich, TUM University Hospital
Classification: Pathogenic for Complex cortical dysplasia with other brain malformations 1. Last evaluated: 2022-07-08. Review status: criteria provided, single submitter. Criteria: Classification criteria August 2017. Collection method: clinical testing. Allele origin: de novo. Inheritance: Autosomal dominant inheritance. Affected: yes. Observed: 1 variant allele.

GeneDx
Classification: Likely pathogenic. Last evaluated: 2016-10-12. Review status: criteria provided, single submitter. Criteria: GeneDx Variant Classification (06012015). Collection method: clinical testing. Allele origin: germline. Affected: yes.
Comment: The V255I variant in the TUBB3 gene has not been reported previously as a pathogenic variant, nor as a benign variant, to our knowledge. The V255I variant was not observed in approximately 6500 individuals of European and African American ancestry in the NHLBI Exome Sequencing Project, indicating it is not a common benign variant in these populations. The V255I variant is a conservative amino acid substitution, which occurs at a position that is conserved across species. In silico analysis is inconsistent in its predictions as to whether or not the variant is damaging to the protein structure/function. The V255I variant is a strong candidate for a pathogenic variant, however the possibility it may be a rare benign variant cannot be excluded.

Equipe Genetique des Anomalies du Developpement, Université de Bourgogne
Classification: Pathogenic for Complex cortical dysplasia with other brain malformations 1. Review status: criteria provided, single submitter. Criteria: ACMG Guidelines, 2015. Collection method: clinical testing. Allele origin: de novo. Affected: yes.

Solve-RD Consortium
Classification: Likely pathogenic for Complex cortical dysplasia with other brain malformations 1. Last evaluated: 2022-06-01. Review status: no assertion criteria provided. Collection method: provider interpretation. Allele origin: inherited. Affected: yes. Not counted in ClinVar's aggregate classification.
Comment: Variant confirmed as disease-causing by referring clinical team

Variant identified during reanalysis of unsolved cases by the Solve-RD project. The Solve-RD project has received funding from the European Union’s Horizon 2020 research and innovation programme under grant agreement No 779257.

Genome Diagnostics Laboratory, Amsterdam University Medical Center
Classification: Likely pathogenic. Review status: no assertion criteria provided. Collection method: clinical testing. Allele origin: germline. Affected: yes. Study: VKGL Data-share Consensus. Not counted in ClinVar's aggregate classification.

Joint Genome Diagnostic Labs from Nijmegen and Maastricht, Radboudumc and MUMC+
Classification: Likely pathogenic. Review status: no assertion criteria provided. Collection method: clinical testing. Allele origin: germline. Affected: yes. Study: VKGL Data-share Consensus. Not counted in ClinVar's aggregate classification.

Literature cited by the submitters: PubMed 33528536 (cited by Ambry Genetics); PubMed 34562182 (cited by Ambry Genetics and Pittsburgh Clinical Genomics Laboratory, University of Pittsburgh Medical Center); PubMed 34863918 (cited by 4 submitters); PubMed 37600020 (cited by Pittsburgh Clinical Genomics Laboratory, University of Pittsburgh Medical Center); PubMed 36512293 (cited by Pittsburgh Clinical Genomics Laboratory, University of Pittsburgh Medical Center); PubMed 39825153 (cited by Solve-RD Consortium).

NM_006086.4(TUBB3):c.763G>A (p.Val255Ile)

Gene: TUBB3 (tubulin beta 3 class III; plus strand). Cytogenetic location: 16q24.3.
Variant type: single nucleotide variant.
Coding change: c.763G>A on transcript NM_006086.4 (MANE Select); coding-DNA position 763, G replaced by A.
Protein change: p.Val255Ile; replaces valine 255 with isoleucine.
Molecular consequence: missense variant.
Genome position (GRCh38, 1-based): chr16:89,935,214, G>A. VCF-style: chr16-89935214-G-A. GRCh37 (hg19) VCF-style: chr16-90001622-G-A.
Other names: c.547G>A, p.Val183Ile (NM_001197181.2); short protein forms V183I, V255I.
Identifiers: ClinVar variation 372654 (VCV000372654.25), dbSNP rs1057517908, ClinGen allele CA16043005.